The following is an entry in ClinVar:

NM_014991.6(WDFY3):c.2609A>T (p.His870Leu)

Genes: WDFY3 (WD repeat and FYVE domain containing 3; minus strand), WDFY3-AS1 (WDFY3 antisense RNA 1; plus strand). Cytogenetic location: 4q21.23.
Variant type: single nucleotide variant.
Coding change: c.2609A>T on transcript NM_014991.6 (MANE Select); coding-DNA position 2609, A replaced by T.
Protein change: p.His870Leu; replaces histidine 870 with leucine.
Molecular consequence: missense variant.
Genome position (GRCh38, 1-based): chr4:84,801,863, T>A on the plus strand (A>T on the coding strand, the complement: WDFY3 is on the minus strand). VCF-style: chr4-84801863-T-A. GRCh37 (hg19) VCF-style: chr4-85723016-T-A.
Other names: c.2609A>T (NM_014991.4); short protein forms H870L.
Identifiers: ClinVar variation 2712232 (VCV002712232.4), dbSNP rs1020794222, ClinGen allele CA100724135.

ClinVar aggregate classification (germline): Uncertain significance. Review status: criteria provided, multiple submitters, no conflicts (2 of 4 stars). 2 submissions from 2 submitters: Uncertain significance (2). Last evaluated 2024-08-27.

Conditions:
Inborn genetic diseases. Identifiers: MedGen C0950123, MeSH D030342.

Allele frequency attached by ClinVar (database versions not stated): gnomAD 0.00002; TOPMed 0.00005.
gnomAD v4.1: 7 of 1,613,032 alleles (0.00043%); highest among the groups gnomAD compares: African/African-American, 0.008%; no homozygotes.

Submissions (2):

Ambry Genetics
Classification: Uncertain significance for Inborn genetic diseases. Last evaluated: 2024-08-27. Review status: criteria provided, single submitter. Criteria: Ambry Variant Classification Scheme 2023. Collection method: clinical testing. Allele origin: germline.

Labcorp Genetics (formerly Invitae), Labcorp
Classification: Uncertain significance. Last evaluated: 2023-12-08. Review status: criteria provided, single submitter. Criteria: Invitae Variant Classification Sherloc (09022015). Collection method: clinical testing. Allele origin: germline.
Comment: This sequence change replaces histidine, which is basic and polar, with leucine, which is neutral and non-polar, at codon 870 of the WDFY3 protein (p.His870Leu). This variant is present in population databases (no rsID available, gnomAD 0.01%). This variant has not been reported in the literature in individuals affected with WDFY3-related conditions. An algorithm developed to predict the effect of missense changes on protein structure and function (PolyPhen-2) suggests that this variant is likely to be tolerated. In summary, the available evidence is currently insufficient to determine the role of this variant in disease. Therefore, it has been classified as a Variant of Uncertain Significance.